The following is an entry in ClinVar:

ClinVar aggregate classification (germline): Uncertain significance (1 of 4 stars; one submission).

gnomAD v4.1: 1 of 1,610,960 alleles (0.000062%); highest among the groups gnomAD compares: South Asian, 0.0011%; no homozygotes.

Submission:

GeneDx
Classification: Uncertain significance. Last evaluated: 2025-02-18. Review status: criteria provided, single submitter. Criteria: GeneDx Variant Classification Process June 2021. Collection method: clinical testing. Allele origin: germline. Affected: yes.
Comment: Not observed at significant frequency in large population cohorts (gnomAD); In silico analysis indicates that this missense variant does not alter protein structure/function; Has not been previously published as pathogenic or benign to our knowledge

NM_000492.4(CFTR):c.1429C>A (p.Pro477Thr)

Genes: CFTR (CF transmembrane conductance regulator; plus strand), CFTR-AS1 (CFTR antisense RNA 1; minus strand). Cytogenetic location: 7q31.2.
Variant type: single nucleotide variant.
Coding change: c.1429C>A on transcript NM_000492.4 (MANE Select); coding-DNA position 1429, C replaced by A.
Protein change: p.Pro477Thr; replaces proline 477 with threonine.
Molecular consequence: missense variant.
Genome position (GRCh38, 1-based): chr7:117,559,500, C>A. VCF-style: chr7-117559500-C-A. GRCh37 (hg19) VCF-style: chr7-117199554-C-A.
Other names: short protein forms P477T.
Identifiers: ClinVar variation 4075718 (VCV004075718.1).